The following is an entry in ClinVar:

NM_013975.4(LIG3):c.2825G>A (p.Arg942Gln)

Gene: LIG3 (DNA ligase 3; plus strand). Cytogenetic location: 17q12.
Variant type: single nucleotide variant.
Coding change: c.2825G>A on transcript NM_013975.4 (MANE Select); coding-DNA position 2825, G replaced by A.
Protein change: p.Arg942Gln; replaces arginine 942 with glutamine.
Molecular consequence: missense variant.
Genome position (GRCh38, 1-based): chr17:35,004,301, G>A. VCF-style: chr17-35004301-G-A. GRCh37 (hg19) VCF-style: chr17-33331320-G-A.
Other names: short protein forms R942Q.
Identifiers: ClinVar variation 929072 (VCV000929072.3), dbSNP rs200974999, ClinGen allele CA8498810.
Genomic context (GRCh38, chr17:35,004,301, plus strand): 5'-CTGACCCCACCCTGACCCCTCTGCATTTGCAGGTATTGCTGGACATCTTCACTGGGGTGC[G>A]GCTTTACTTGCCACCCTCCACACCAGACTTCAGCCGTCTCAGACGCTACTTTGTGGCATT-3'
Protein context (NP_039269.2, residues 932-952): KVLLDIFTGV[Arg942Gln]LYLPPSTPDF

ClinVar aggregate classification (germline): Benign/Likely benign. Review status: criteria provided, multiple submitters, no conflicts (2 of 4 stars). 2 submissions from 2 submitters: Benign (1); Likely benign (1). Last evaluated 2023-05-10.

Conditions:
Inborn genetic diseases. Identifiers: MedGen C0950123, MeSH D030342.

Allele frequency attached by ClinVar (database versions not stated): gnomAD 0.00011 and 0.00015; gnomAD exomes 0.00013 and 0.00060; TOPMed 0.00023; ExAC 0.00054; 1000 Genomes Project 30x 0.00094; 1000 Genomes Project 0.00100.
gnomAD v4.1: 207 of 1,614,098 alleles (0.013%); highest among the groups gnomAD compares: East Asian, 0.27%; no homozygotes.

Submissions (2):

Ambry Genetics
Classification: Likely benign for Inborn genetic diseases. Last evaluated: 2023-05-10. Review status: criteria provided, single submitter. Criteria: Ambry Variant Classification Scheme 2023. Collection method: clinical testing. Allele origin: germline.

Women's Health and Genetics/Laboratory Corporation of America, LabCorp
Classification: Benign. Last evaluated: 2019-05-13. Review status: criteria provided, single submitter. Criteria: LabCorp Variant Classification Summary - May 2015. Collection method: clinical testing. Allele origin: germline.
Comment: Variant summary: LIG3 c.2825G>A (p.Arg942Gln) results in a conservative amino acid change located in the DNA ligase 3, BRCT domain (IPR031916) of the encoded protein sequence. Four of five in-silico tools predict a benign effect of the variant on protein function. The variant allele was found at a frequency of 0.0006 in 251308 control chromosomes, predominantly at a frequency of 0.0068 within the East Asian subpopulation in the gnomAD database. The observed variant frequency within East Asian control individuals in the gnomAD database is approximately 680 fold of the estimated maximal expected allele frequency for a pathogenic variant in LIG3 causing Arrhythmia phenotype (1e-05), strongly suggesting that the variant is a benign polymorphism found primarily in populations of East Asian origin. To our knowledge, no occurrence of c.2825G>A in individuals affected with Arrhythmia and no experimental evidence demonstrating its impact on protein function have been reported. No clinical diagnostic laboratories have submitted clinical-significance assessments for this variant to ClinVar after 2014. Based on the evidence outlined above, the variant was classified as benign.